The following is an entry in ClinVar:

NM_001365276.2(TNXB):c.919G>C (p.Gly307Arg)

Gene: TNXB (tenascin XB; minus strand). Cytogenetic location: 6p21.33.
Variant type: single nucleotide variant.
Coding change: c.919G>C on transcript NM_001365276.2 (MANE Select); coding-DNA position 919, G replaced by C.
Protein change: p.Gly307Arg; replaces glycine 307 with arginine.
Molecular consequence: missense variant.
Genome position (GRCh38, 1-based): chr6:32,096,934, C>G on the plus strand (G>C on the coding strand, the complement: TNXB is on the minus strand). VCF-style: chr6-32096934-C-G. GRCh37 (hg19) VCF-style: chr6-32064711-C-G.
Other names: c.919G>C, p.Gly307Arg (NM_019105.8); short protein forms G307R.
Identifiers: ClinVar variation 2451168 (VCV002451168.2), dbSNP rs984762939, ClinGen allele CA136906491.
Genomic context (GRCh38, chr6:32,096,934, plus strand): 5'-CGCAGCGCCCGTCCTTGCAGCGTCCCCGCTGGCTGCAGCCCCGAGGGCAGCTCCTCACCC[C>G]ACAGTCCTCGCCAGTGTAGCCGGGGTTACACACGCAGCGCCCATTCTCACAGCGCCCCCT-3'
Protein context (NP_001352205.1, residues 297-317): CNPGYTGEDC[Gly307Arg]VRSCPRGCSQ

ClinVar aggregate classification (germline): Uncertain significance (1 of 4 stars; one submission).

Conditions:
Cardiovascular phenotype. Identifiers: MedGen CN230736.

Submission:

Ambry Genetics
Classification: Uncertain significance for Cardiovascular phenotype. Last evaluated: 2023-01-28. Review status: criteria provided, single submitter. Criteria: Ambry Variant Classification Scheme 2023. Collection method: clinical testing. Allele origin: germline.
Comment: The p.G307R variant (also known as c.919G>C), located in coding exon 2 of the TNXB gene, results from a G to C substitution at nucleotide position 919. The glycine at codon 307 is replaced by arginine, an amino acid with dissimilar properties. This amino acid position is conserved. In addition, this alteration is predicted to be tolerated by in silico analysis. Since supporting evidence is limited at this time, the clinical significance of this alteration remains unclear.